The following is an entry in ClinVar:

ClinVar aggregate classification (germline): Uncertain significance (1 of 4 stars; one submission).

Conditions:
Pitt-Hopkins-like syndrome 2 (PTHSL2). Identifiers: Orphanet 221150, Orphanet 600663, MedGen C3280479, MONDO:0013690, OMIM 614325.

Allele frequency attached by ClinVar (database versions not stated): gnomAD 0.00001.

Submission:

Labcorp Genetics (formerly Invitae), Labcorp
Classification: Uncertain significance for Pitt-Hopkins-like syndrome 2. Last evaluated: 2024-04-13. Review status: criteria provided, single submitter. Criteria: Invitae Variant Classification Sherloc (09022015). Collection method: clinical testing. Allele origin: germline.
Comment: This sequence change replaces aspartic acid, which is acidic and polar, with histidine, which is basic and polar, at codon 305 of the NRXN1 protein (p.Asp305His). This variant is not present in population databases (gnomAD no frequency). This variant has not been reported in the literature in individuals affected with NRXN1-related conditions. ClinVar contains an entry for this variant (Variation ID: 1482363). An algorithm developed to predict the effect of missense changes on protein structure and function (PolyPhen-2) suggests that this variant is likely to be disruptive. In summary, the available evidence is currently insufficient to determine the role of this variant in disease. Therefore, it has been classified as a Variant of Uncertain Significance.

NM_001330078.2(NRXN1):c.814G>C (p.Asp272His)

Gene: NRXN1 (neurexin 1; minus strand). Cytogenetic location: 2p16.3.
Variant type: single nucleotide variant.
Coding change: c.814G>C on transcript NM_001330078.2 (MANE Select); coding-DNA position 814, G replaced by C.
Protein change: p.Asp272His; replaces aspartic acid 272 with histidine.
Molecular consequence: missense variant. On other transcripts: intron variant (4).
Genome position (GRCh38, 1-based): chr2:50,922,664, C>G on the plus strand (G>C on the coding strand, the complement: NRXN1 is on the minus strand). VCF-style: chr2-50922664-C-G. GRCh37 (hg19) VCF-style: chr2-51149802-C-G.
Other names: c.913G>C, p.Asp305His (NM_001135659.3); c.814G>C, p.Asp272His (NM_001330077.2, NM_001330081.2, NM_001330082.2 and 6 more transcripts); c.811G>C, p.Asp271His (NM_001330079.2, NM_001330093.2); c.796G>C, p.Asp266His (NM_001330088.2, NM_001330089.2); c.772+104838G>C (NM_001330096.2, NM_001330087.2, NM_001330083.2 and 1 more transcripts); short protein forms D272H, D271H, D266H, D305H.
Identifiers: ClinVar variation 1482363 (VCV001482363.8), dbSNP rs777604099, ClinGen allele CA346822834.